The following is an entry in ClinVar:

NM_032043.3(BRIP1):c.2058dup (p.Val687fs)

Gene: BRIP1 (BRCA1 interacting DNA helicase 1; minus strand). Cytogenetic location: 17q23.2.
Variant type: Duplication.
Coding change: c.2058dup on transcript NM_032043.3 (MANE Select); coding-DNA position 2058, one base duplicated (T; older notation c.2058dupT).
Protein change: p.Val687fs; shifts the reading frame from valine 687.
Molecular consequence: frameshift variant.
Genome position (GRCh38, 1-based): chr17:61,776,440, A duplicated on the plus strand (T on the coding strand, the reverse complement: BRIP1 is on the minus strand). VCF-style (leftmost placement, unchanged base first): chr17-61776439-C-CA. GRCh37 (hg19) VCF-style: chr17-59853800-C-CA.
Other names: c.2058dupT (NM_032043.2); short protein forms V687fs.
Identifiers: ClinVar variation 2017776 (VCV002017776.7), dbSNP rs2544996842, ClinGen allele CA2580094467.
Genomic context (GRCh38, chr17:61,776,439, plus strand): 5'-GAAACAATAAATATTCCCTTACCTTGTAAGATGGCAAGAAACACAAAATTCCTTGGCTCA[C>CA]AGTCTGGCACACAGATAACAAAAGTGCTCCCACTTCATCTTGGAACTCAAATGTTTCAGT-3'

ClinVar aggregate classification (germline): Pathogenic. Review status: criteria provided, multiple submitters, no conflicts (2 of 4 stars). 3 submissions from 3 submitters: Pathogenic (3). Last evaluated 2025-12-29.

Conditions:
Familial cancer of breast. Also called: BREAST CANCER, FAMILIAL; Hereditary breast cancer; hereditary breast carcinoma. Identifiers: Orphanet 227535, MedGen C0346153, MONDO:0016419, OMIM 114480. Disease mechanism: loss of function.
Fanconi anemia complementation group J. Also called: BRIP1-Related Fanconi Anemia. Identifiers: Orphanet 84, MedGen C1836860, MONDO:0012187, OMIM 609054.
Hereditary cancer-predisposing syndrome. Also called: Neoplastic Syndromes, Hereditary; Tumor predisposition; Hereditary Cancer Syndrome; Hereditary neoplastic syndrome. Identifiers: Orphanet 140162, MedGen C0027672, MeSH D009386, MONDO:0015356.

Submissions (3):

Ambry Genetics
Classification: Pathogenic for Hereditary cancer-predisposing syndrome. Last evaluated: 2025-12-29. Review status: criteria provided, single submitter. Criteria: Ambry Variant Classification Scheme 2023. Collection method: clinical testing. Allele origin: germline.
Comment: The c.2058dupT pathogenic mutation, located in coding exon 13 of the BRIP1 gene, results from a duplication of T at nucleotide position 2058, causing a translational frameshift with a predicted alternate stop codon (p.V687Cfs*30). This variant is considered to be rare based on population cohorts in the Genome Aggregation Database (gnomAD). This alteration is expected to result in loss of function by premature protein truncation or nonsense-mediated mRNA decay. As such, this alteration is interpreted as a disease-causing mutation.

Myriad Genetics, Inc.
Classification: Pathogenic for Familial cancer of breast. Last evaluated: 2023-06-06. Review status: criteria provided, single submitter. Criteria: Myriad Autosomal Dominant, Autosomal Recessive and X-Linked Classification Criteria (2023). Collection method: clinical testing. Allele origin: unknown.
Comment: This variant is considered pathogenic. This variant creates a frameshift predicted to result in premature protein truncation.

Labcorp Genetics (formerly Invitae), Labcorp
Classification: Pathogenic for Familial cancer of breast; Fanconi anemia complementation group J. Last evaluated: 2022-08-08. Review status: criteria provided, single submitter. Criteria: Invitae Variant Classification Sherloc (09022015). Collection method: clinical testing. Allele origin: germline.
Comment: This variant is not present in population databases (gnomAD no frequency). This sequence change creates a premature translational stop signal (p.Val687Cysfs*30) in the BRIP1 gene. It is expected to result in an absent or disrupted protein product. Loss-of-function variants in BRIP1 are known to be pathogenic (PMID: 16116423, 17033622, 21964575). For these reasons, this variant has been classified as Pathogenic. This variant has not been reported in the literature in individuals affected with BRIP1-related conditions.

Literature cited by the submitters: PubMed 16116423 (cited by Labcorp Genetics (formerly Invitae), Labcorp); PubMed 17033622 (cited by Labcorp Genetics (formerly Invitae), Labcorp); PubMed 21964575 (cited by Labcorp Genetics (formerly Invitae), Labcorp).